The following is an entry in ClinVar:

NM_004656.4(BAP1):c.1212C>G (p.Asp404Glu)

Gene: BAP1 (BRCA1 associated deubiquitinase 1; minus strand). Cytogenetic location: 3p21.1.
Variant type: single nucleotide variant.
Coding change: c.1212C>G on transcript NM_004656.4 (MANE Select); coding-DNA position 1212, C replaced by G.
Protein change: p.Asp404Glu; replaces aspartic acid 404 with glutamic acid.
Molecular consequence: missense variant.
Genome position (GRCh38, 1-based): chr3:52,404,491, G>C on the plus strand (C>G on the coding strand, the complement: BAP1 is on the minus strand). VCF-style: chr3-52404491-G-C. GRCh37 (hg19) VCF-style: chr3-52438507-G-C.
Other names: c.1212C>G (LRG_529t1); short protein forms D404E.
Identifiers: ClinVar variation 412427 (VCV000412427.29), dbSNP rs140998455, ClinGen allele CA2436875.

ClinVar aggregate classification (germline): Conflicting classifications of pathogenicity. Review status: criteria provided, conflicting classifications (1 of 4 stars). 10 submissions from 10 submitters: Uncertain significance (6); Benign (2); Likely benign (1). 1 of the submissions does not count toward it. Last evaluated 2026-01-19.

Conditions:
Melanoma, uveal, susceptibility to, 2 (UVM2). Also called: Melanoma, uveal 2. Identifiers: Orphanet 39044, MedGen C1847723, MONDO:0011696, OMIM 606661.
BAP1-related tumor predisposition syndrome (TPDS1). Also called: BAP1 tumor predisposition syndrome; Tumor susceptibility linked to germline BAP1 mutations; COMMON Syndrome; TUMOR PREDISPOSITION SYNDROME 1. Identifiers: Orphanet 289539, MedGen C3280492, MONDO:0013692, OMIM 614327.
Kury-Isidor syndrome (KURIS). Identifiers: MedGen C5676925, MONDO:0859230, OMIM 619762.
BAP1-related disorder. Also called: BAP1-related condition.
Hereditary cancer-predisposing syndrome. Also called: Hereditary neoplastic syndrome; Tumor predisposition; Hereditary Cancer Syndrome; Neoplastic Syndromes, Hereditary. Identifiers: Orphanet 140162, MedGen C0027672, MeSH D009386, MONDO:0015356.

Allele frequency attached by ClinVar (database versions not stated): gnomAD 0.00011; 1000 Genomes Project 30x 0.00031; ExAC 0.00007; TOPMed 0.00010; ESP Exome Variant Server 0.00023; 1000 Genomes Project 0.00040.
gnomAD v4.1: 49 of 1,614,128 alleles (0.003%); highest among the groups gnomAD compares: African/African-American, 0.033%; no homozygotes.

Submissions (10):

Labcorp Genetics (formerly Invitae), Labcorp
Classification: Uncertain significance for BAP1-related tumor predisposition syndrome. Last evaluated: 2026-01-19. Review status: criteria provided, single submitter. Criteria: Invitae Variant Classification Sherloc (09022015). Collection method: clinical testing. Allele origin: germline.
Comment: This sequence change replaces aspartic acid, which is acidic and polar, with glutamic acid, which is acidic and polar, at codon 404 of the BAP1 protein (p.Asp404Glu). This variant is present in population databases (rs140998455, gnomAD 0.04%), and has an allele count higher than expected for a pathogenic variant. This variant has not been reported in the literature in individuals affected with BAP1-related conditions. ClinVar contains an entry for this variant (Variation ID: 412427). Invitae Evidence Modeling of protein sequence and biophysical properties (such as structural, functional, and spatial information, amino acid conservation, physicochemical variation, residue mobility, and thermodynamic stability) indicates that this missense variant is not expected to disrupt BAP1 protein function with a negative predictive value of 80%. In summary, the available evidence is currently insufficient to determine the role of this variant in disease. Therefore, it has been classified as a Variant of Uncertain Significance.

Myriad Genetics, Inc.
Classification: Benign for BAP1-related tumor predisposition syndrome. Last evaluated: 2025-11-06. Review status: criteria provided, single submitter. Criteria: Myriad Autosomal Dominant, Autosomal Recessive and X-Linked Classification Criteria (2023). Collection method: clinical testing. Allele origin: unknown.
Comment: This variant is considered benign. This variant has been observed at a population frequency that is significantly greater than expected given the associated disease prevalence and penetrance. Homozygosity has been confirmed in one or more individuals. As homozygosity for pathogenic variants in this gene is generally assumed to result in embryonic lethality, this variant is unlikely to be pathogenic.

Dasa
Classification: Uncertain significance. Last evaluated: 2025-07-28. Review status: criteria provided, single submitter. Criteria: DASA Assertion Criteria. Collection method: clinical testing. Allele origin: germline.
Comment: NM_004656.4(BAP1):c.1212C>G (p.Asp404Glu) is a missense variant that results in the substitution of aspartic acid with glutamic acid. This variant is rare in population databases. Computational prediction algorithms are consistent with a benign effect. The currently available literature and clinical evidence are not sufficient to establish a definitive association between this variant and the reported condition. Therefore, this variant is classified as a variant of uncertain significance.

Quest Diagnostics Nichols Institute San Juan Capistrano
Classification: Uncertain significance. Last evaluated: 2024-11-01. Review status: criteria provided, single submitter. Criteria: Quest Diagnostics criteria. Collection method: clinical testing. Allele origin: unknown.
Comment: The BAP1 c.1212C>G (p.Asp404Glu) variant has not been reported in individuals with BAP1-related conditions in the published literature. The frequency of this variant in the general population, 0.00036 (9/24930 chromosomes (Genome Aggregation Database)), is uninformative in the assessment of its pathogenicity. Analysis of this variant using bioinformatics tools for the prediction of the effect of amino acid changes on protein structure and function yielded predictions that this variant is benign. Based on the available information, we are unable to determine the clinical significance of this variant.

Color Diagnostics, LLC DBA Color Health
Classification: Likely benign for Hereditary cancer-predisposing syndrome. Last evaluated: 2024-09-19. Review status: criteria provided, single submitter. Criteria: ACMG Guidelines, 2015. Collection method: clinical testing. Allele origin: germline.

Fulgent Genetics
Classification: Uncertain significance for Melanoma, uveal, susceptibility to, 2; BAP1-related tumor predisposition syndrome; Kury-Isidor syndrome. Last evaluated: 2024-05-16. Review status: criteria provided, single submitter. Criteria: ACMG Guidelines, 2015. Collection method: clinical testing. Allele origin: germline.

GeneDx
Classification: Uncertain significance. Last evaluated: 2023-12-21. Review status: criteria provided, single submitter. Criteria: GeneDx Variant Classification Process June 2021. Collection method: clinical testing. Allele origin: germline. Affected: yes.
Comment: In silico analysis supports that this missense variant does not alter protein structure/function; Has not been previously published as pathogenic or benign to our knowledge

St. Jude Molecular Pathology, St. Jude Children's Research Hospital
Classification: Uncertain significance for BAP1-related tumor predisposition syndrome. Last evaluated: 2022-09-26. Review status: criteria provided, single submitter. Criteria: St. Jude Assertion Criteria 2020. Collection method: clinical testing. Allele origin: germline.
Comment: The BAP1 c.1212C>G (p.Asp404Glu) missense change has a maximum subpopulation frequency of 0.036% in gnomAD v2.1.1. The in silico tool REVEL predicts a benign effect on protein function, but to our knowledge this prediction has not been confirmed by functional studies. To our knowledge, this variant has not been reported in the literature in individuals with BAP1-related tumor predisposition syndrome. In summary, the evidence currently available is insufficient to determine the clinical significance of this variant. It has therefore been classified as of uncertain significance.

Ambry Genetics
Classification: Benign for Hereditary cancer-predisposing syndrome. Last evaluated: 2017-02-14. Review status: criteria provided, single submitter. Criteria: Ambry Variant Classification Scheme 2023. Collection method: clinical testing. Allele origin: germline.

PreventionGenetics, part of Exact Sciences
Classification: Likely benign for BAP1-related condition. Last evaluated: 2023-12-13. Review status: no assertion criteria provided. Collection method: clinical testing. Allele origin: germline. Not counted in ClinVar's aggregate classification.
Comment: This variant is classified as likely benign based on ACMG/AMP sequence variant interpretation guidelines (Richards et al. 2015 PMID: 25741868, with internal and published modifications).